The following is an entry in ClinVar:

NM_001267550.2(TTN):c.107393C>A (p.Pro35798His)

Genes: TTN-AS1 (TTN antisense RNA 1; plus strand), TTN (titin; minus strand). Cytogenetic location: 2q31.2.
Variant type: single nucleotide variant.
Coding change: c.107393C>A on transcript NM_001267550.2 (MANE Select); coding-DNA position 107393, C replaced by A.
Protein change: p.Pro35798His; replaces proline 35798 with histidine.
Molecular consequence: missense variant.
Genome position (GRCh38, 1-based): chr2:178,527,733, G>T on the plus strand (C>A on the coding strand, the complement: TTN is on the minus strand). VCF-style: chr2-178527733-G-T. GRCh37 (hg19) VCF-style: chr2-179392460-G-T.
Other names: c.102470C>A, p.Pro34157His (NM_001256850.1); c.80198C>A, p.Pro26733His (NM_003319.4); c.99689C>A, p.Pro33230His (NM_133378.4); c.80573C>A, p.Pro26858His (NM_133432.3); c.80774C>A, p.Pro26925His (NM_133437.4); short protein forms P33230H, P34157H, P26733H, P26925H, P26858H, P35798H.
Identifiers: ClinVar variation 2939982 (VCV002939982.2), dbSNP rs886038722, ClinGen allele CA349401115.

ClinVar aggregate classification (germline): Uncertain significance (1 of 4 stars; one submission).

Conditions:
Dilated cardiomyopathy 1G (CMD1G). Identifiers: Orphanet 154, MedGen C1858763, MONDO:0011400, OMIM 604145.
Autosomal recessive limb-girdle muscular dystrophy type 2J (LGMDR10). Also called: Limb-girdle muscular dystrophy, type 2J; MUSCULAR DYSTROPHY, LIMB-GIRDLE, AUTOSOMAL RECESSIVE 10. Identifiers: Orphanet 140922, MedGen C1837342, MONDO:0012127, OMIM 608807.

gnomAD v4.1: 2 of 1,599,934 alleles (0.00013%); highest among the groups gnomAD compares: East Asian, 0.0045%; no homozygotes.

Submission:

Labcorp Genetics (formerly Invitae), Labcorp
Classification: Uncertain significance for Dilated cardiomyopathy 1G; Autosomal recessive limb-girdle muscular dystrophy type 2J. Last evaluated: 2023-09-07. Review status: criteria provided, single submitter. Criteria: Invitae Variant Classification Sherloc (09022015). Collection method: clinical testing. Allele origin: germline.
Comment: This sequence change replaces proline, which is neutral and non-polar, with histidine, which is basic and polar, at codon 35798 of the TTN protein (p.Pro35798His). This variant is not present in population databases (gnomAD no frequency). This variant has not been reported in the literature in individuals affected with TTN-related conditions. Experimental studies and prediction algorithms are not available or were not evaluated, and the functional significance of this variant is currently unknown. In summary, the available evidence is currently insufficient to determine the role of this variant in disease. Therefore, it has been classified as a Variant of Uncertain Significance. This variant is located in the M band of TTN (PMID: 25589632). Variants in this region may be relevant for neuromuscular disorders, but have not been definitively shown to cause cardiomyopathy (PMID: 23975875).

Literature cited by the submitters: PubMed 25589632; PubMed 23975875.